The following is an entry in ClinVar:

ClinVar aggregate classification (germline): Uncertain significance (1 of 4 stars; one submission).

Allele frequency attached by ClinVar (database versions not stated): TOPMed below 0.00001; gnomAD 0.00001.
gnomAD v4.1: 15 of 1,614,004 alleles (0.00093%); highest among the groups gnomAD compares: Non-Finnish European, 0.0013%; no homozygotes.

Submission:

Labcorp Genetics (formerly Invitae), Labcorp
Classification: Uncertain significance. Last evaluated: 2023-11-20. Review status: criteria provided, single submitter. Criteria: Invitae Variant Classification Sherloc (09022015). Collection method: clinical testing. Allele origin: germline.
Comment: This sequence change replaces asparagine, which is neutral and polar, with histidine, which is basic and polar, at codon 340 of the CFB protein (p.Asn340His). This variant is not present in population databases (gnomAD no frequency). This variant has not been reported in the literature in individuals affected with CFB-related conditions. Advanced modeling of protein sequence and biophysical properties (such as structural, functional, and spatial information, amino acid conservation, physicochemical variation, residue mobility, and thermodynamic stability) performed at Invitae indicates that this missense variant is not expected to disrupt CFB protein function with a negative predictive value of 80%. In summary, the available evidence is currently insufficient to determine the role of this variant in disease. Therefore, it has been classified as a Variant of Uncertain Significance.

NM_001710.6(CFB):c.1018A>C (p.Asn340His)

Gene: CFB (complement factor B; plus strand). Cytogenetic location: 6p21.33.
Variant type: single nucleotide variant.
Coding change: c.1018A>C on transcript NM_001710.6 (MANE Select); coding-DNA position 1018, A replaced by C.
Protein change: p.Asn340His; replaces asparagine 340 with histidine.
Molecular consequence: missense variant.
Genome position (GRCh38, 1-based): chr6:31,948,494, A>C. VCF-style: chr6-31948494-A-C. GRCh37 (hg19) VCF-style: chr6-31916271-A-C.
Other names: short protein forms N340H.
Identifiers: ClinVar variation 2775790 (VCV002775790.3), dbSNP rs1255395158, ClinGen allele CA363399258.